The following is an entry in ClinVar:

NM_001148.6(ANK2):c.*142GGA[1]

Gene: ANK2 (ankyrin 2; plus strand). Cytogenetic location: 4q26.
Variant type: Microsatellite.
Coding change: c.*142GGA[1] on transcript NM_001148.6 (MANE Select); one copy of the 3-base unit GGA starting at c.*142; the reference has two copies in a row; one copy, 3 bases deleted.
Molecular consequence: 3 prime UTR variant. On other transcripts: inframe deletion (2).
Genome position (GRCh38, 1-based): chr4:113,381,616-113,381,618, GGA deleted; deleting any 3 consecutive bases within chr4:113,381,612-113,381,618 gives the same sequence; the position shown is the placement nearest the transcript's 3' end. VCF-style (leftmost placement, unchanged base first): chr4-113381611-AAGG-A. GRCh37 (hg19) VCF-style: chr4-114302767-AAGG-A.
Other names: c.*142GGA[1] (NM_001127493.3, NM_001354225.2, NM_001354228.2 and 67 more transcripts); c.12525GGA[1], p.Glu4176del (NM_001386174.1); c.12501GGA[1], p.Glu4168del (NM_001386175.1); short protein forms E4168del, E4176del.
Identifiers: ClinVar variation 191418 (VCV000191418.1), dbSNP rs786205419, ClinGen allele CA236584.

ClinVar aggregate classification (germline): Uncertain significance (1 of 4 stars; one submission).

Submission:

Biesecker Lab/Clinical Genomics Section, National Institutes of Health
Classification: Uncertain significance. Last evaluated: 2013-06-24. Review status: criteria provided, single submitter. Criteria: Ng et al. (Circ Cardiovasc Genet. 2013). Collection method: research. Allele origin: unknown. Observed: 1 variant allele. Study: ClinSeq.
Comment: The study set was not selected for affection status in relation to any cancer. Pathogenicity categories were based on literature curation. See Pubmed ID:23861362 for details.

Medical sequencing